The following is an entry in ClinVar:

NC_000017.10:g.(?_41199640)_(41201231_?)del

Gene: BRCA1 (BRCA1 DNA repair associated; minus strand). Cytogenetic location: 17q21.31.
Variant type: Deletion.
Identifiers: ClinVar variation 2425716 (VCV002425716.7).

ClinVar aggregate classification (germline): Pathogenic (1 of 4 stars; one submission).

Conditions:
Hereditary breast ovarian cancer syndrome. Also called: Hereditary breast and ovarian cancer syndrome (HBOC); Breast and ovarian cancer; Hereditary breast and/or ovarian cancer syndrome; Hereditary breast and ovarian cancer; BRCA1- and BRCA2-Associated Hereditary Breast and Ovarian Cancer; Hereditary breast and ovarian cancer syndrome. Identifiers: Orphanet 145, MedGen C0677776, MeSH D061325, MONDO:0003582. Disease mechanism: loss of function.

Submission:

Labcorp Genetics (formerly Invitae), Labcorp
Classification: Pathogenic for Hereditary breast ovarian cancer syndrome. Last evaluated: 2022-03-09. Review status: criteria provided, single submitter. Criteria: Invitae Variant Classification Sherloc (09022015). Collection method: clinical testing. Allele origin: germline.
Comment: For these reasons, this variant has been classified as Pathogenic. This variant disrupts a region of the BRCA1 protein in which other variant(s) (p.Gly1788Val) have been determined to be pathogenic (PMID: 9796975, 14534301, 15689452, 16267036, 18512148, 20516115, 21614564, 26689913). This suggests that this is a clinically significant region of the protein, and that variants that disrupt it are likely to be disease-causing. This variant has not been reported in the literature in individuals affected with BRCA1-related conditions. This variant is a gross deletion of the genomic region encompassing exon(s) 21-22 of the BRCA1 gene. This variant would be expected to be in-frame, preserving the integrity of the reading frame.

Literature cited by the submitters: PubMed 9796975; PubMed 14534301; PubMed 15689452; PubMed 16267036; PubMed 18512148; PubMed 20516115; PubMed 21614564; PubMed 26689913.